The following is an entry in ClinVar:

ClinVar aggregate classification (germline): Uncertain significance. Review status: criteria provided, multiple submitters, no conflicts (2 of 4 stars). 3 submissions from 3 submitters: Uncertain significance (3). Last evaluated 2023-05-13.

Conditions:
Hereditary cancer-predisposing syndrome. Also called: Hereditary Cancer Syndrome; Hereditary neoplastic syndrome; Neoplastic Syndromes, Hereditary; Tumor predisposition. Identifiers: Orphanet 140162, MedGen C0027672, MeSH D009386, MONDO:0015356.
Hereditary breast ovarian cancer syndrome. Also called: Hereditary breast and ovarian cancer; Breast and ovarian cancer; Hereditary breast and ovarian cancer syndrome; Hereditary breast and/or ovarian cancer syndrome; BRCA1- and BRCA2-Associated Hereditary Breast and Ovarian Cancer; Hereditary breast and ovarian cancer syndrome (HBOC). Identifiers: Orphanet 145, MedGen C0677776, MeSH D061325, MONDO:0003582. Disease mechanism: loss of function.

Submissions (3):

Labcorp Genetics (formerly Invitae), Labcorp
Classification: Uncertain significance for Hereditary breast ovarian cancer syndrome. Last evaluated: 2023-05-13. Review status: criteria provided, single submitter. Criteria: Invitae Variant Classification Sherloc (09022015). Collection method: clinical testing. Allele origin: germline.
Comment: This missense change has been observed in individual(s) with breast cancer (PMID: 29409476). ClinVar contains an entry for this variant (Variation ID: 440475). Advanced modeling of protein sequence and biophysical properties (such as structural, functional, and spatial information, amino acid conservation, physicochemical variation, residue mobility, and thermodynamic stability) performed at Invitae indicates that this missense variant is not expected to disrupt BRCA1 protein function. In summary, the available evidence is currently insufficient to determine the role of this variant in disease. Therefore, it has been classified as a Variant of Uncertain Significance. This variant is not present in population databases (gnomAD no frequency). This sequence change replaces glutamic acid, which is acidic and polar, with aspartic acid, which is acidic and polar, at codon 1478 of the BRCA1 protein (p.Glu1478Asp).

Ambry Genetics
Classification: Uncertain significance for Hereditary cancer-predisposing syndrome. Last evaluated: 2021-05-14. Review status: criteria provided, single submitter. Criteria: Ambry Variant Classification Scheme 2023. Collection method: clinical testing. Allele origin: germline.
Comment: The p.E1478D variant (also known as c.4434G>C), located in coding exon 12 of the BRCA1 gene, results from a G to C substitution at nucleotide position 4434. The glutamic acid at codon 1478 is replaced by aspartic acid, an amino acid with highly similar properties. Of note, this alteration is also designated as 4553G>C in published literature. This amino acid position is poorly conserved in available vertebrate species. In addition, this alteration is predicted to be tolerated by in silico analysis. Since supporting evidence is limited at this time, the clinical significance of this alteration remains unclear.

Quest Diagnostics Nichols Institute San Juan Capistrano
Classification: Uncertain significance. Last evaluated: 2016-08-12. Review status: criteria provided, single submitter. Criteria: Quest Diagnostics criteria. Collection method: clinical testing. Allele origin: germline.

Literature cited by the submitters: PubMed 29409476 (cited by Labcorp Genetics (formerly Invitae), Labcorp and Ambry Genetics).

NM_007294.4(BRCA1):c.4434G>C (p.Glu1478Asp)

Gene: BRCA1 (BRCA1 DNA repair associated; minus strand). Cytogenetic location: 17q21.31.
Variant type: single nucleotide variant.
Coding change: c.4434G>C on transcript NM_007294.4 (MANE Select); coding-DNA position 4434, G replaced by C.
Protein change: p.Glu1478Asp; replaces glutamic acid 1478 with aspartic acid.
Molecular consequence: missense variant. On other transcripts: non-coding transcript variant (1).
Genome position (GRCh38, 1-based): chr17:43,076,538, C>G on the plus strand (G>C on the coding strand, the complement: BRCA1 is on the minus strand). VCF-style: chr17-43076538-C-G. GRCh37 (hg19) VCF-style: chr17-41228555-C-G.
Other names: c.4308G>C, p.Glu1436Asp (NM_001407678.1, NM_001407679.1, NM_001407680.1 and 11 more transcripts); c.4305G>C, p.Glu1435Asp (NM_001407681.1, NM_001407682.1, NM_001407683.1 and 6 more transcripts); c.4293G>C, p.Glu1431Asp (NM_001407698.1, NM_001407724.1, NM_001407725.1 and 13 more transcripts); c.4434G>C, p.Glu1478Asp (NM_001407684.1, NM_001407652.1, NM_001407854.1 and 8 more transcripts); c.4302G>C, p.Glu1434Asp (NM_001407690.1, NM_001407691.1); c.4431G>C, p.Glu1477Asp (NM_001407625.1, NM_001407626.1, NM_001407858.1 and 17 more transcripts); c.4428G>C, p.Glu1476Asp (NM_001407627.1, NM_001407628.1, NM_001407629.1 and 14 more transcripts); c.4425G>C, p.Glu1475Asp (NM_001407644.1, NM_001407645.1); and 68 more; short protein forms E1478D, E1431D, E374D, E1499D, E1349D, E1367D, E1389D, E1435D.
Identifiers: ClinVar variation 440475 (VCV000440475.8), dbSNP rs1555582594, ClinGen allele CA10592667.